The following is an entry in ClinVar:

NM_001958.5(EEF1A2):c.803A>C (p.Glu268Ala)

Gene: EEF1A2 (eukaryotic translation elongation factor 1 alpha 2; minus strand). Cytogenetic location: 20q13.33.
Variant type: single nucleotide variant.
Coding change: c.803A>C on transcript NM_001958.5 (MANE Select); coding-DNA position 803, A replaced by C.
Protein change: p.Glu268Ala; replaces glutamic acid 268 with alanine.
Molecular consequence: missense variant.
Genome position (GRCh38, 1-based): chr20:63,490,705, T>G on the plus strand (A>C on the coding strand, the complement: EEF1A2 is on the minus strand). VCF-style: chr20-63490705-T-G. GRCh37 (hg19) VCF-style: chr20-62122058-T-G.
Other names: short protein forms E268A.
Identifiers: ClinVar variation 4856414 (VCV004856414.1).
Genomic context (GRCh38, chr20:63,490,705, plus strand): 5'-TCAGTGGTGATGTTCACTGGCGCAAAGGTCACCACCATGCCCGGCCGCAGGATGCCGGTC[T>G]CCACCCGGCCCACGGGCACCGTGCCAATGCCTGCAGAGGGGAGGGGGTGTGAGGGGAAGG-3'
Protein context (NP_001949.1, residues 258-278): GIGTVPVGRV[Glu268Ala]TGILRPGMVV

ClinVar aggregate classification (germline): Likely pathogenic (1 of 4 stars; one submission).

Conditions:
Intellectual developmental disorder, autosomal dominant 38. Also called: PSYCHOMOTOR RETARDATION, EPILEPSY, AND LANGUAGE DISABILITY SYNDROME; Intellectual disability, autosomal dominant 38. Identifiers: MedGen C4225343, MONDO:0014617, OMIM 616393.

Submission:

Gansu Provincial Maternity and Child Care Hospital
Classification: Likely pathogenic for Intellectual developmental disorder, autosomal dominant 38. Last evaluated: 2026-06-02. Review status: criteria provided, single submitter. Criteria: ACMG Guidelines, 2015. Collection method: clinical testing. Allele origin: de novo. Inheritance: Autosomal dominant inheritance. Affected: yes.
Comment: The c.803A>C variant is a missense variant. Parental verification confirmed it as a de novo variant (PS2). This site is not recorded in the gnomAD database (PM2_supporting).Multiple in silico tools predicted a deleterious effect (PP3).This variant is classified as Likely pathogenic.